The following is an entry in ClinVar:

ClinVar aggregate classification (germline): Uncertain significance. Review status: criteria provided, multiple submitters, no conflicts (2 of 4 stars). 4 submissions from 4 submitters: Uncertain significance (4). Last evaluated 2025-12-09.

Conditions:
Neuroblastoma, susceptibility to, 3. Also called: ALK-Related Neuroblastic Tumor Susceptibility. Identifiers: Orphanet 635, MedGen C2751681, MONDO:0013083, OMIM 613014.
Hereditary cancer-predisposing syndrome. Also called: Neoplastic Syndromes, Hereditary; Tumor predisposition; Hereditary Cancer Syndrome; Hereditary neoplastic syndrome. Identifiers: Orphanet 140162, MedGen C0027672, MeSH D009386, MONDO:0015356.

Allele frequency attached by ClinVar (database versions not stated): gnomAD exomes below 0.00001; ExAC 0.00001; gnomAD 0.00002; TOPMed 0.00002.
gnomAD v4.1: 10 of 1,614,010 alleles (0.00062%); highest among the groups gnomAD compares: African/African-American, 0.0053%; no homozygotes.

Submissions (4):

Labcorp Genetics (formerly Invitae), Labcorp
Classification: Uncertain significance for Neuroblastoma, susceptibility to, 3. Last evaluated: 2025-12-09. Review status: criteria provided, single submitter. Criteria: Invitae Variant Classification Sherloc (09022015). Collection method: clinical testing. Allele origin: germline.
Comment: This sequence change replaces glutamic acid, which is acidic and polar, with lysine, which is basic and polar, at codon 1605 of the ALK protein (p.Glu1605Lys). This variant is present in population databases (rs754214919, gnomAD 0.003%). This variant has not been reported in the literature in individuals affected with ALK-related conditions. ClinVar contains an entry for this variant (Variation ID: 538267). An algorithm developed to predict the effect of missense changes on protein structure and function outputs the following: PolyPhen-2: "Benign". The lysine amino acid residue is found in multiple mammalian species, which suggests that this missense change does not adversely affect protein function. In summary, the available evidence is currently insufficient to determine the role of this variant in disease. Therefore, it has been classified as a Variant of Uncertain Significance.

Ambry Genetics
Classification: Uncertain significance for Hereditary cancer-predisposing syndrome. Last evaluated: 2024-05-05. Review status: criteria provided, single submitter. Criteria: Ambry Variant Classification Scheme 2023. Collection method: clinical testing. Allele origin: germline.
Comment: The p.E1605K variant (also known as c.4813G>A), located in coding exon 29 of the ALK gene, results from a G to A substitution at nucleotide position 4813. The glutamic acid at codon 1605 is replaced by lysine, an amino acid with similar properties. This amino acid position is conserved. In addition, this alteration is predicted to be tolerated by in silico analysis. Since supporting evidence is limited at this time, the clinical significance of this alteration remains unclear.

Baylor Genetics
Classification: Uncertain significance for Neuroblastoma, susceptibility to, 3. Last evaluated: 2023-09-26. Review status: criteria provided, single submitter. Criteria: ACMG Guidelines, 2015. Collection method: clinical testing. Allele origin: unknown.

Sema4
Classification: Uncertain significance for Hereditary cancer-predisposing syndrome. Last evaluated: 2022-02-13. Review status: criteria provided, single submitter. Criteria: Sema4 Curation Guidelines. Collection method: curation. Allele origin: germline.
Comment: The ALK c.4813G>A (p.E1605K) variant has not been reported in the literature to our knowledge. It was observed in 1/113562 chromosomes of the Non-Finnish European subpopulation in the large and broad cohorts of the Genome Aggregation Database (PMID: 32461654). This variant has been reported in ClinVar (Variation ID 538267). In silico tools suggest the impact of the variant on protein function is benign, though these predictions have not been confirmed by functional studies. The evidence is insufficient to meet ACMG/AMP criteria for classifying the variant as benign or pathogenic. Thus, the clinical significance of this variant is currently uncertain.

NM_004304.5(ALK):c.4813G>A (p.Glu1605Lys)

Gene: ALK (ALK receptor tyrosine kinase; minus strand). Cytogenetic location: 2p23.2.
Variant type: single nucleotide variant.
Coding change: c.4813G>A on transcript NM_004304.5 (MANE Select); coding-DNA position 4813, G replaced by A.
Protein change: p.Glu1605Lys; replaces glutamic acid 1605 with lysine.
Molecular consequence: missense variant.
Genome position (GRCh38, 1-based): chr2:29,193,274, C>T on the plus strand (G>A on the coding strand, the complement: ALK is on the minus strand). VCF-style: chr2-29193274-C-T. GRCh37 (hg19) VCF-style: chr2-29416140-C-T.
Other names: c.1609G>A, p.Glu537Lys (NM_001353765.2); short protein forms E1605K, E537K.
Identifiers: ClinVar variation 538267 (VCV000538267.17), dbSNP rs754214919, ClinGen allele CA1593470.